The following is an entry in ClinVar:

NM_000179.3(MSH6):c.2649G>A (p.Lys883=)

Gene: MSH6 (mutS homolog 6; plus strand). Cytogenetic location: 2p16.3.
Variant type: single nucleotide variant.
Coding change: c.2649G>A on transcript NM_000179.3 (MANE Select); coding-DNA position 2649, G replaced by A.
Protein change: p.Lys883=; no amino-acid change (lysine 883 retained).
Molecular consequence: synonymous variant.
Genome position (GRCh38, 1-based): chr2:47,800,632, G>A. VCF-style: chr2-47800632-G-A. GRCh37 (hg19) VCF-style: chr2-48027771-G-A.
Other names: c.2259G>A, p.Lys753= (NM_001281492.2); c.1743G>A, p.Lys581= (NM_001281493.2, NM_001281494.2).
Identifiers: ClinVar variation 1548189 (VCV001548189.11), dbSNP rs1558666098, ClinGen allele CA426121943.

ClinVar aggregate classification (germline): Benign/Likely benign. Review status: criteria provided, multiple submitters, no conflicts (2 of 4 stars). 3 submissions from 3 submitters: Benign (1); Likely benign (2). Last evaluated 2024-12-31.

Conditions:
Hereditary cancer-predisposing syndrome. Also called: Hereditary neoplastic syndrome; Tumor predisposition; Neoplastic Syndromes, Hereditary; Hereditary Cancer Syndrome. Identifiers: Orphanet 140162, MedGen C0027672, MeSH D009386, MONDO:0015356.
Hereditary nonpolyposis colorectal neoplasms. Identifiers: MedGen C0009405, MeSH D003123.
Lynch syndrome 5 (LYNCH5). Also called: Colorectal cancer, hereditary nonpolyposis, type 5; Hereditary non-polyposis colorectal cancer, type 5. Identifiers: Orphanet 144, MedGen C1833477, MONDO:0013710, OMIM 614350. Disease mechanism: loss of function.

Submissions (3):

Myriad Genetics, Inc.
Classification: Benign for Lynch syndrome 5. Last evaluated: 2024-12-31. Review status: criteria provided, single submitter. Criteria: Myriad Autosomal Dominant, Autosomal Recessive and X-Linked Classification Criteria (2023). Collection method: clinical testing. Allele origin: unknown.
Comment: This variant is considered benign. This variant is a silent/synonymous amino acid change and it is not expected to impact splicing.

Labcorp Genetics (formerly Invitae), Labcorp
Classification: Likely benign for Hereditary nonpolyposis colorectal neoplasms. Last evaluated: 2024-09-29. Review status: criteria provided, single submitter. Criteria: Invitae Variant Classification Sherloc (09022015). Collection method: clinical testing. Allele origin: germline.

Ambry Genetics
Classification: Likely benign for Hereditary cancer-predisposing syndrome. Last evaluated: 2021-03-02. Review status: criteria provided, single submitter. Criteria: Ambry Variant Classification Scheme 2023. Collection method: clinical testing. Allele origin: germline.